The following is an entry in ClinVar:

NM_001130438.3(SPTAN1):c.1362G>C (p.Glu454Asp)

Gene: SPTAN1 (spectrin alpha, non-erythrocytic 1; plus strand). Cytogenetic location: 9q34.11.
Variant type: single nucleotide variant.
Coding change: c.1362G>C on transcript NM_001130438.3 (MANE Select); coding-DNA position 1362, G replaced by C.
Protein change: p.Glu454Asp; replaces glutamic acid 454 with aspartic acid.
Molecular consequence: missense variant.
Genome position (GRCh38, 1-based): chr9:128,580,960, G>C. VCF-style: chr9-128580960-G-C. GRCh37 (hg19) VCF-style: chr9-131343239-G-C.
Other names: p.E454D:GAG>GAC; p.Glu454Asp; c.1362G>C, p.Glu454Asp (NM_001195532.2, NM_001363759.2, NM_001363765.2 and 1 more transcripts); short protein forms E454D.
Identifiers: ClinVar variation 207318 (VCV000207318.56), dbSNP rs144590741, ClinGen allele CA318668.
Genomic context (GRCh38, chr9:128,580,960, plus strand): 5'-CCATGTCTCCTATGCCCCCAAGCTGACCGTCCTTTCCGAGGAGAGAGCGGCGCTGCTGGA[G>C]CTGTGGGAGCTGCGCAGGCAGCAGTACGAGCAGTGCATGGACCTGCAGCTCTTCTACCGG-3'
Protein context (NP_001123910.1, residues 444-464): VLSEERAALL[Glu454Asp]LWELRRQQYE

ClinVar aggregate classification (germline): Benign/Likely benign. Review status: criteria provided, multiple submitters, no conflicts (2 of 4 stars). 9 submissions from 9 submitters: Benign (3); Likely benign (6). Last evaluated 2026-02-18.

Conditions:
Early-infantile DEE. Also called: Ohtahara syndrome; Early infantile epileptic encephalopathy; Early infantile epileptic encephalopathy with suppression bursts. Identifiers: Orphanet 1934, MedGen C0393706, MONDO:0800491.
Inborn genetic diseases. Identifiers: MedGen C0950123, MeSH D030342.
Developmental and epileptic encephalopathy, 5 (DEE5). Identifiers: Orphanet 3451, MedGen C3150731, MONDO:0013277, OMIM 613477.

Allele frequency attached by ClinVar (database versions not stated): gnomAD 0.00003; gnomAD exomes 0.00005 and 0.00006; TOPMed 0.00006; ExAC 0.00009; ESP Exome Variant Server 0.00015.
gnomAD v4.1: 78 of 1,613,644 alleles (0.0048%); highest among the groups gnomAD compares: Non-Finnish European, 0.0064%; no homozygotes.

Submissions (9):

Women's Health and Genetics/Laboratory Corporation of America, LabCorp
Classification: Likely benign. Last evaluated: 2026-02-18. Review status: criteria provided, single submitter. Criteria: LabCorp Variant Classification Summary - May 2015. Collection method: clinical testing. Allele origin: germline.
Comment: Variant summary: SPTAN1 c.1362G>C (p.Glu454Asp) results in a conservative amino acid change in the encoded protein sequence. Algorithms developed to predict the effect of missense changes on protein structure and function are either unavailable or do not agree on the potential impact of this missense change. The variant allele was found at a frequency of 5.6e-05 in 251206 control chromosomes, predominantly at a frequency of 0.00011 within the Non-Finnish European subpopulation in the gnomAD database. To our knowledge, no occurrence of c.1362G>C in individuals affected with SPTAN1-related conditions and no experimental evidence demonstrating its impact on protein function have been reported. ClinVar contains an entry for this variant (Variation ID: 207318). Based on the evidence outlined above, the variant was classified as likely benign.

CeGaT Center for Human Genetics Tuebingen
Classification: Likely benign. Last evaluated: 2026-01-01. Review status: criteria provided, single submitter. Criteria: CeGaT Center For Human Genetics Tuebingen Variant Classification Criteria Version 2. Collection method: clinical testing. Allele origin: germline. Affected: yes. Observed: 5 variant alleles.
Comment: SPTAN1: BS2

Labcorp Genetics (formerly Invitae), Labcorp
Classification: Benign for Early-infantile DEE. Last evaluated: 2025-11-03. Review status: criteria provided, single submitter. Criteria: Invitae Variant Classification Sherloc (09022015). Collection method: clinical testing. Allele origin: germline.

Mayo Clinic Laboratories, Mayo Clinic
Classification: Likely benign. Last evaluated: 2025-10-08. Review status: criteria provided, single submitter. Criteria: ACMG Guidelines, 2015. Collection method: clinical testing. Allele origin: germline. Observed: 2 variant alleles.
Comment: BS2, BP4_moderate

Laboratory of Genetics, Children's Clinical University Hospital Latvia
Classification: Likely benign. Last evaluated: 2025-02-16. Review status: criteria provided, single submitter. Criteria: ACMG Guidelines, 2015. Collection method: clinical testing. Allele origin: germline. Affected: yes.

Blueprint Genetics
Classification: Likely benign. Last evaluated: 2024-11-01. Review status: criteria provided, single submitter. Criteria: ACMG Guidelines, 2015. Collection method: clinical testing. Allele origin: germline.

Genome-Nilou Lab
Classification: Benign for Developmental and epileptic encephalopathy, 5. Last evaluated: 2021-07-15. Review status: criteria provided, single submitter. Criteria: ACMG Guidelines, 2015. Collection method: clinical testing. Allele origin: germline. Affected: no.

Ambry Genetics
Classification: Benign for Inborn genetic diseases. Last evaluated: 2019-10-15. Review status: criteria provided, single submitter. Criteria: Ambry Variant Classification Scheme 2023. Collection method: clinical testing. Allele origin: germline.

GeneDx
Classification: Likely benign. Last evaluated: 2015-06-10. Review status: criteria provided, single submitter. Criteria: GeneDx Variant Classification (06012015). Collection method: clinical testing. Allele origin: germline. Affected: yes.
Comment: This variant is considered likely benign or benign based on one or more of the following criteria: it is a conservative change, it occurs at a poorly conserved position in the protein, it is predicted to be benign by multiple in silico algorithms, and/or has population frequency not consistent with disease.